The following is an entry in ClinVar:

NM_000321.3(RB1):c.34_39del (p.Thr12_Ala13del)

Gene: RB1 (RB transcriptional corepressor 1; plus strand). Cytogenetic location: 13q14.2.
Variant type: Deletion.
Coding change: c.34_39del on transcript NM_000321.3 (MANE Select); coding-DNA positions 34 to 39, 6 bases deleted (ACCGCC; older notation c.34_39delACCGCC).
Protein change: p.Thr12_Ala13del.
Molecular consequence: inframe deletion.
Genome position (GRCh38, 1-based): chr13:48,303,946-48,303,951, ACCGCC deleted; deleting any 6 consecutive bases within chr13:48,303,941-48,303,951 gives the same sequence; the c. name uses the placement nearest the transcript's 3' end. VCF-style (leftmost placement, unchanged base first): chr13-48303940-GCCGCCA-G. GRCh37 (hg19) VCF-style: chr13-48878076-GCCGCCA-G.
Other names: c.34_39del, p.Thr12_Ala13del (NM_001407165.1, NM_001407166.1, NM_001407167.1).
Identifiers: ClinVar variation 4884092 (VCV004884092.2).
Genomic context (GRCh38, chr13:48,303,940, plus strand): 5'-ACAGCTCGCTGGCTCCCGCCGCGGAAAGGCGTCATGCCGCCCAAAACCCCCCGAAAAACG[GCCGCCA>G]CCGCCGCCGCTGCCGCCGCGGAACCCCCGGCACCGCCGCCGCCGCCCCCTCCTGAGGAGG-3'

ClinVar aggregate classification (germline): Uncertain significance (1 of 4 stars; one submission).

Submission:

Dasa
Classification: Uncertain significance. Last evaluated: 2025-05-12. Review status: criteria provided, single submitter. Criteria: DASA Assertion Criteria. Collection method: clinical testing. Allele origin: germline.
Comment: NM_000321.3(RB1):c.34_39del (p.Thr12_Ala13del) is an in-frame deletion predicted to remove amino acids from threonine at protein position 12 through alanine at protein position 13 without shifting the reading frame. This variant is rare in population databases. The currently available literature and clinical evidence are not sufficient to establish a definitive association between this variant and the reported condition. Therefore, this variant is classified as a variant of uncertain significance.